The following is an entry in ClinVar:

ClinVar aggregate classification (germline): Uncertain significance. Review status: criteria provided, multiple submitters, no conflicts (2 of 4 stars). 3 submissions from 3 submitters: Uncertain significance (3). Last evaluated 2026-01-27.

Conditions:
Myofibrillar myopathy 6. Identifiers: Orphanet 199340, MedGen C2751831, MONDO:0013061, OMIM 612954.
Dilated cardiomyopathy 1HH (CMD1HH). Identifiers: Orphanet 154, MedGen C3151293, MONDO:0013479, OMIM 613881.

gnomAD v4.1: 4 of 1,614,028 alleles (0.00025%); highest among the groups gnomAD compares: Non-Finnish European, 0.00034%; no homozygotes.

Submissions (3):

Labcorp Genetics (formerly Invitae), Labcorp
Classification: Uncertain significance for Dilated cardiomyopathy 1HH; Myofibrillar myopathy 6. Last evaluated: 2026-01-27. Review status: criteria provided, single submitter. Criteria: Invitae Variant Classification Sherloc (09022015). Collection method: clinical testing. Allele origin: germline.
Comment: This sequence change replaces arginine, which is basic and polar, with leucine, which is neutral and non-polar, at codon 343 of the BAG3 protein (p.Arg343Leu). This variant is present in population databases (rs774085746, gnomAD 0.0009%). This variant has not been reported in the literature in individuals affected with BAG3-related conditions. ClinVar contains an entry for this variant (Variation ID: 1335049). Invitae Evidence Modeling of protein sequence and biophysical properties (such as structural, functional, and spatial information, amino acid conservation, physicochemical variation, residue mobility, and thermodynamic stability) indicates that this missense variant is not expected to disrupt BAG3 protein function with a negative predictive value of 80%. In summary, the available evidence is currently insufficient to determine the role of this variant in disease. Therefore, it has been classified as a Variant of Uncertain Significance.

GeneDx
Classification: Uncertain significance. Last evaluated: 2025-04-30. Review status: criteria provided, single submitter. Criteria: GeneDx Variant Classification Process June 2021. Collection method: clinical testing. Allele origin: germline. Affected: yes.
Comment: Not observed at significant frequency in large population cohorts (gnomAD); In silico analysis suggests that this missense variant does not alter protein structure/function; Has not been previously published as pathogenic or benign to our knowledge; This variant is associated with the following publications: (PMID: 20001957)

CeGaT Center for Human Genetics Tuebingen
Classification: Uncertain significance. Last evaluated: 2022-01-01. Review status: criteria provided, single submitter. Criteria: CeGaT Center For Human Genetics Tuebingen Variant Classification Criteria Version 2. Collection method: clinical testing. Allele origin: germline. Affected: yes. Observed: 1 variant allele.

NM_004281.4(BAG3):c.1028G>T (p.Arg343Leu)

Gene: BAG3 (BAG cochaperone 3; plus strand). Cytogenetic location: 10q26.11.
Variant type: single nucleotide variant.
Coding change: c.1028G>T on transcript NM_004281.4 (MANE Select); coding-DNA position 1028, G replaced by T.
Protein change: p.Arg343Leu; replaces arginine 343 with leucine.
Molecular consequence: missense variant.
Genome position (GRCh38, 1-based): chr10:119,676,582, G>T. VCF-style: chr10-119676582-G-T. GRCh37 (hg19) VCF-style: chr10-121436094-G-T.
Other names: c.1028G>T (NM_004281.3); short protein forms R343L.
Identifiers: ClinVar variation 1335049 (VCV001335049.42), dbSNP rs774085746, ClinGen allele CA5716467.